The following is an entry in ClinVar:

NM_005321.3(H1-4):c.322_324delinsTAT (p.Asn108Tyr)

Gene: H1-4 (H1.4 linker histone, cluster member; plus strand). Cytogenetic location: 6p22.2.
Variant type: Indel.
Coding change: c.322_324delinsTAT on transcript NM_005321.3 (MANE Select); coding-DNA positions 322 to 324, AAC replaced by TAT.
Protein change: p.Asn108Tyr; replaces asparagine 108 with tyrosine.
Molecular consequence: missense variant.
Genome position (GRCh38, 1-based): chr6:26,156,712-26,156,714, AAC replaced by TAT. VCF-style: chr6-26156712-AAC-TAT. GRCh37 (hg19) VCF-style: chr6-26156940-AAC-TAT.
Other names: short protein forms N108Y.
Identifiers: ClinVar variation 3373696 (VCV003373696.1).
Genomic context (GRCh38, chr6:26,156,712, plus strand): 5'-GTGAGCAAGGGCACCCTGGTGCAGACCAAGGGCACCGGCGCGTCGGGTTCCTTCAAACTC[AAC>TAT]AAGAAGGCGGCCTCTGGGGAAGCCAAGCCTAAGGCTAAAAAGGCAGGCGCGGCCAAGGCC-3'
Protein context (NP_005312.1, residues 98-118): GTGASGSFKL[Asn108Tyr]KKAASGEAKP

ClinVar aggregate classification (germline): Uncertain significance (1 of 4 stars; one submission).

Submission:

GeneDx
Classification: Uncertain significance. Last evaluated: 2024-03-05. Review status: criteria provided, single submitter. Criteria: GeneDx Variant Classification Process June 2021. Collection method: clinical testing. Allele origin: germline. Affected: yes.
Comment: Not observed at significant frequency in large population cohorts (gnomAD); In silico analysis supports a deleterious effect on protein structure/function; Has not been previously published as pathogenic or benign to our knowledge